The following is an entry in ClinVar:

NM_007046.4(EMILIN1):c.1052A>G (p.Gln351Arg)

Gene: EMILIN1 (elastin microfibril interfacer 1; plus strand). Cytogenetic location: 2p23.3.
Variant type: single nucleotide variant.
Coding change: c.1052A>G on transcript NM_007046.4 (MANE Select); coding-DNA position 1052, A replaced by G.
Protein change: p.Gln351Arg; replaces glutamine 351 with arginine.
Molecular consequence: missense variant.
Genome position (GRCh38, 1-based): chr2:27,082,623, A>G. VCF-style: chr2-27082623-A-G. GRCh37 (hg19) VCF-style: chr2-27305491-A-G.
Other names: short protein forms Q351R.
Identifiers: ClinVar variation 4536031 (VCV004536031.1).

ClinVar aggregate classification (germline): Uncertain significance (1 of 4 stars; one submission).

Submission:

Women's Health and Genetics/Laboratory Corporation of America, LabCorp
Classification: Uncertain significance. Last evaluated: 2025-09-23. Review status: criteria provided, single submitter. Criteria: LabCorp Variant Classification Summary - May 2015. Collection method: clinical testing. Allele origin: germline.
Comment: Variant summary: EMILIN1 c.1052A>G (p.Gln351Arg) results in a conservative amino acid change in the encoded protein sequence. Algorithms developed to predict the effect of missense changes on protein structure and function all suggest that this variant is likely to be tolerated. The frequency data for this variant in gnomAD is considered unreliable, as metrics indicate poor data quality at this position. To our knowledge, no occurrence of c.1052A>G in individuals affected with EMILIN1-related conditions and no experimental evidence demonstrating its impact on protein function have been reported. No submitters have cited clinical-significance assessments for this variant to ClinVar. Based on the evidence outlined above, the variant was classified as uncertain significance.